The following is an entry in ClinVar:

ClinVar aggregate classification (germline): Uncertain significance (1 of 4 stars; one submission).

Conditions:
Inborn genetic diseases. Identifiers: MedGen C0950123, MeSH D030342.

gnomAD v4.1: 42 of 1,609,688 alleles (0.0026%); highest among the groups gnomAD compares: Non-Finnish European, 0.0027%; no homozygotes.

Submission:

Ambry Genetics
Classification: Uncertain significance for Inborn genetic diseases. Last evaluated: 2025-05-31. Review status: criteria provided, single submitter. Criteria: Ambry Variant Classification Scheme 2023. Collection method: clinical testing. Allele origin: germline.
Comment: The p.S1236I variant (also known as c.3707G>T), located in coding exon 1 of the SAMD9 gene, results from a G to T substitution at nucleotide position 3707. The serine at codon 1236 is replaced by isoleucine, an amino acid with dissimilar properties. This amino acid position is conserved. In addition, this alteration is predicted to be tolerated by in silico analysis. Based on the available evidence, the clinical significance of this variant remains unclear.

NM_017654.4(SAMD9):c.3707G>T (p.Ser1236Ile)

Gene: SAMD9 (sterile alpha motif domain containing 9; minus strand). Cytogenetic location: 7q21.2.
Variant type: single nucleotide variant.
Coding change: c.3707G>T on transcript NM_017654.4 (MANE Select); coding-DNA position 3707, G replaced by T.
Protein change: p.Ser1236Ile; replaces serine 1236 with isoleucine.
Molecular consequence: missense variant.
Genome position (GRCh38, 1-based): chr7:93,102,391, C>A on the plus strand (G>T on the coding strand, the complement: SAMD9 is on the minus strand). VCF-style: chr7-93102391-C-A. GRCh37 (hg19) VCF-style: chr7-92731704-C-A.
Other names: c.3707G>T, p.Ser1236Ile (NM_001193307.2); short protein forms S1236I.
Identifiers: ClinVar variation 3949693 (VCV003949693.1).